The following is an entry in ClinVar:

NM_001378452.1(ITPR1):c.4997T>C (p.Ile1666Thr)

Genes: BRRIAR (BHLHE40 and RIG-I regulating ITPR1 antisense RNA; minus strand), ITPR1 (inositol 1,4,5-trisphosphate receptor type 1; plus strand). Cytogenetic location: 3p26.1.
Variant type: single nucleotide variant.
Coding change: c.4997T>C on transcript NM_001378452.1 (MANE Select); coding-DNA position 4997, T replaced by C.
Protein change: p.Ile1666Thr; replaces isoleucine 1666 with threonine.
Molecular consequence: missense variant.
Genome position (GRCh38, 1-based): chr3:4,711,762, T>C. VCF-style: chr3-4711762-T-C. GRCh37 (hg19) VCF-style: chr3-4753446-T-C.
Other names: c.4970T>C, p.Ile1657Thr (NM_001099952.4); c.4952T>C, p.Ile1651Thr (NM_001168272.2); c.4925T>C, p.Ile1642Thr (NM_002222.7); short protein forms I1651T, I1642T, I1657T, I1666T.
Identifiers: ClinVar variation 3719101 (VCV003719101.2).
Genomic context (GRCh38, chr3:4,711,762, plus strand): 5'-TTTTTAATTTAAAATTAGCTTCAAGGAAGTAATCCGTGGTTTTCCCCCCATTCAGGTTAA[T>C]AAAGCATACAAAACAGCTGCTAGAAGAAAATGAAGAGAAGCTCTGCATTAAGGTCCTACA-3'
Protein context (NP_001365381.1, residues 1656-1676): CESGGFICKL[Ile1666Thr]KHTKQLLEEN

ClinVar aggregate classification (germline): Uncertain significance (1 of 4 stars; one submission).

Submission:

Labcorp Genetics (formerly Invitae), Labcorp
Classification: Uncertain significance. Last evaluated: 2024-11-04. Review status: criteria provided, single submitter. Criteria: Invitae Variant Classification Sherloc (09022015). Collection method: clinical testing. Allele origin: germline.
Comment: This sequence change replaces isoleucine, which is neutral and non-polar, with threonine, which is neutral and polar, at codon 1642 of the ITPR1 protein (p.Ile1642Thr). This variant is not present in population databases (gnomAD no frequency). This variant has not been reported in the literature in individuals affected with ITPR1-related conditions. Invitae Evidence Modeling of protein sequence and biophysical properties (such as structural, functional, and spatial information, amino acid conservation, physicochemical variation, residue mobility, and thermodynamic stability) indicates that this missense variant is expected to disrupt ITPR1 protein function with a positive predictive value of 95%. In summary, the available evidence is currently insufficient to determine the role of this variant in disease. Therefore, it has been classified as a Variant of Uncertain Significance.